The following is an entry in ClinVar:

ClinVar aggregate classification (germline): Uncertain significance (1 of 4 stars; one submission).

Conditions:
MHC class II deficiency. Also called: BLS, TYPE II; Bare lymphocyte syndrome 2. Identifiers: Orphanet 572, MedGen C5447452, MONDO:0008855.

Submission:

Labcorp Genetics (formerly Invitae), Labcorp
Classification: Uncertain significance for MHC class II deficiency. Last evaluated: 2025-08-20. Review status: criteria provided, single submitter. Criteria: Invitae Variant Classification Sherloc (09022015). Collection method: clinical testing. Allele origin: germline.
Comment: This sequence change replaces glycine, which is neutral and non-polar, with valine, which is neutral and non-polar, at codon 64 of the RFXANK protein (p.Gly64Val). This variant is not present in population databases (gnomAD no frequency). This variant has not been reported in the literature in individuals affected with RFXANK-related conditions. ClinVar contains an entry for this variant (Variation ID: 835732). Invitae Evidence Modeling of protein sequence and biophysical properties (such as structural, functional, and spatial information, amino acid conservation, physicochemical variation, residue mobility, and thermodynamic stability) indicates that this missense variant is not expected to disrupt RFXANK protein function with a negative predictive value of 80%. In summary, the available evidence is currently insufficient to determine the role of this variant in disease. Therefore, it has been classified as a Variant of Uncertain Significance.

NM_003721.4(RFXANK):c.191G>T (p.Gly64Val)

Gene: RFXANK (regulatory factor X associated ankyrin containing protein; plus strand). Cytogenetic location: 19p13.11.
Variant type: single nucleotide variant.
Coding change: c.191G>T on transcript NM_003721.4 (MANE Select); coding-DNA position 191, G replaced by T.
Protein change: p.Gly64Val; replaces glycine 64 with valine.
Molecular consequence: missense variant.
Genome position (GRCh38, 1-based): chr19:19,196,966, G>T. VCF-style: chr19-19196966-G-T. GRCh37 (hg19) VCF-style: chr19-19307775-G-T.
Other names: c.191G>T, p.Gly64Val (NM_001278727.2, NM_001370233.1, NM_001370234.1 and 1 more transcripts); c.188G>T, p.Gly63Val (NM_001278728.2, NM_001370235.1, NM_001370236.1 and 2 more transcripts); short protein forms G64V, G63V.
Identifiers: ClinVar variation 835732 (VCV000835732.9), dbSNP rs2060609779, ClinGen allele CA404891634.